The following is an entry in ClinVar:

NM_000440.3(PDE6A):c.461C>A (p.Pro154His)

Gene: PDE6A (phosphodiesterase 6A; minus strand). Cytogenetic location: 5q32.
Variant type: single nucleotide variant.
Coding change: c.461C>A on transcript NM_000440.3 (MANE Select); coding-DNA position 461, C replaced by A.
Protein change: p.Pro154His; replaces proline 154 with histidine.
Molecular consequence: missense variant.
Genome position (GRCh38, 1-based): chr5:149,944,213, G>T on the plus strand (C>A on the coding strand, the complement: PDE6A is on the minus strand). VCF-style: chr5-149944213-G-T. GRCh37 (hg19) VCF-style: chr5-149323776-G-T.
Other names: short protein forms P154H.
Identifiers: ClinVar variation 1515034 (VCV001515034.9), dbSNP rs766132231, ClinGen allele CA3505050.

ClinVar aggregate classification (germline): Uncertain significance. Review status: criteria provided, multiple submitters, no conflicts (2 of 4 stars). 3 submissions from 3 submitters: Uncertain significance (3). Last evaluated 2023-11-09.

Allele frequency attached by ClinVar (database versions not stated): gnomAD 0.00001; TOPMed 0.00001.

Submissions (3):

Blueprint Genetics
Classification: Uncertain significance. Last evaluated: 2023-11-09. Review status: criteria provided, single submitter. Criteria: ACMG Guidelines, 2015. Collection method: clinical testing. Allele origin: germline.

Labcorp Genetics (formerly Invitae), Labcorp
Classification: Uncertain significance. Last evaluated: 2022-02-18. Review status: criteria provided, single submitter. Criteria: Invitae Variant Classification Sherloc (09022015). Collection method: clinical testing. Allele origin: germline.
Comment: This variant is present in population databases (rs766132231, gnomAD 0.003%). In summary, the available evidence is currently insufficient to determine the role of this variant in disease. Therefore, it has been classified as a Variant of Uncertain Significance. Algorithms developed to predict the effect of missense changes on protein structure and function are either unavailable or do not agree on the potential impact of this missense change (SIFT: "Deleterious"; PolyPhen-2: "Possibly Damaging"; Align-GVGD: "Class C0"). This variant has not been reported in the literature in individuals affected with PDE6A-related conditions. This sequence change replaces proline, which is neutral and non-polar, with histidine, which is basic and polar, at codon 154 of the PDE6A protein (p.Pro154His).

Breakthrough Genomics
Classification: Uncertain significance. Review status: criteria provided, single submitter. Criteria: ACMG Guidelines, 2015. Collection method: not provided. Allele origin: germline. Inheritance: Unknown mechanism. Affected: yes.